The following is an entry in ClinVar:

NM_002496.4(NDUFS8):c.585G>A (p.Trp195Ter)

Gene: NDUFS8 (NADH:ubiquinone oxidoreductase core subunit S8; plus strand). Cytogenetic location: 11q13.2.
Variant type: single nucleotide variant.
Coding change: c.585G>A on transcript NM_002496.4 (MANE Select); coding-DNA position 585, G replaced by A.
Protein change: p.Trp195Ter; replaces tryptophan 195 with a stop codon.
Molecular consequence: nonsense.
Genome position (GRCh38, 1-based): chr11:68,036,545, G>A. VCF-style: chr11-68036545-G-A. GRCh37 (hg19) VCF-style: chr11-67804012-G-A.
Other names: short protein forms W195*.
Identifiers: ClinVar variation 1503645 (VCV001503645.9), dbSNP rs2134419114, ClinGen allele CA381570155.

ClinVar aggregate classification (germline): Uncertain significance. Review status: criteria provided, multiple submitters, no conflicts (2 of 4 stars). 2 submissions from 2 submitters: Uncertain significance (2). Last evaluated 2024-10-23.

Conditions:
Mitochondrial complex I deficiency, nuclear type 2. Also called: Mitochondrial complex 1 deficiency, nuclear type 2. Identifiers: MedGen C4748737, MONDO:0032606, OMIM 618222.

Submissions (2):

Labcorp Genetics (formerly Invitae), Labcorp
Classification: Uncertain significance. Last evaluated: 2024-10-23. Review status: criteria provided, single submitter. Criteria: Invitae Variant Classification Sherloc (09022015). Collection method: clinical testing. Allele origin: germline.
Comment: This sequence change creates a premature translational stop signal (p.Trp195*) in the NDUFS8 gene. While this is not anticipated to result in nonsense mediated decay, it is expected to disrupt the last 16 amino acid(s) of the NDUFS8 protein. This variant is not present in population databases (gnomAD no frequency). This variant has not been reported in the literature in individuals affected with NDUFS8-related conditions. ClinVar contains an entry for this variant (Variation ID: 1503645). In summary, the available evidence is currently insufficient to determine the role of this variant in disease. Therefore, it has been classified as a Variant of Uncertain Significance.

Laboratory of Inherited Metabolic Diseases, Research centre for medical genetics
Classification: Uncertain significance for Mitochondrial complex I deficiency, nuclear type 2. Last evaluated: 2023-01-31. Review status: criteria provided, single submitter. Criteria: ACMG Guidelines, 2015. Collection method: clinical testing. Allele origin: paternal. Inheritance: Autosomal recessive inheritance. Affected: yes. Observed: 1 variant allele.